The following is an entry in ClinVar:

NM_001145809.2(MYH14):c.562G>A (p.Asp188Asn)

Gene: MYH14 (myosin heavy chain 14; plus strand). Cytogenetic location: 19q13.33.
Variant type: single nucleotide variant.
Coding change: c.562G>A on transcript NM_001145809.2 (MANE Select); coding-DNA position 562, G replaced by A.
Protein change: p.Asp188Asn; replaces aspartic acid 188 with asparagine.
Molecular consequence: missense variant.
Genome position (GRCh38, 1-based): chr19:50,217,771, G>A. VCF-style: chr19-50217771-G-A. GRCh37 (hg19) VCF-style: chr19-50721028-G-A.
Other names: c.562G>A, p.Asp188Asn (NM_001077186.2, NM_024729.4); short protein forms D188N.
Identifiers: ClinVar variation 1310351 (VCV001310351.3), dbSNP rs2123184077, ClinGen allele CA406948202.

ClinVar aggregate classification (germline): Uncertain significance (1 of 4 stars; one submission).

Submission:

GeneDx
Classification: Uncertain significance. Last evaluated: 2026-09-23. Review status: criteria provided, single submitter. Criteria: GeneDx Variant Classification Process June 2021. Collection method: clinical testing. Allele origin: germline.
Comment: Not observed at significant frequency in large population cohorts (gnomAD); In silico analysis supports that this missense variant has a deleterious effect on protein structure/function; Has not been previously published as pathogenic or benign to our knowledge